The following is an entry in ClinVar:

NM_000069.3(CACNA1S):c.3971C>A (p.Ala1324Asp)

Gene: CACNA1S (calcium voltage-gated channel subunit alpha1 S; minus strand). Cytogenetic location: 1q32.1.
Variant type: single nucleotide variant.
Coding change: c.3971C>A on transcript NM_000069.3 (MANE Select); coding-DNA position 3971, C replaced by A.
Protein change: p.Ala1324Asp; replaces alanine 1324 with aspartic acid.
Molecular consequence: missense variant.
Genome position (GRCh38, 1-based): chr1:201,051,126, G>T on the plus strand (C>A on the coding strand, the complement: CACNA1S is on the minus strand). VCF-style: chr1-201051126-G-T. GRCh37 (hg19) VCF-style: chr1-201020254-G-T.
Other names: short protein forms A1324D.
Identifiers: ClinVar variation 3072054 (VCV003072054.2), dbSNP rs777173963, ClinGen allele CA344150931.
Genomic context (GRCh38, chr1:201,051,126, plus strand): 5'-TAGTCCGACTCTGGGTCACACAGCTTCCCATAGCTGCAGGCCAGTAGGATCTCCTGCCAG[G>T]CCTCACCTGTTGCACACCTAGAGGACAGAAGAGGCTCCTGTCACCTATCTGCTCCTGCCT-3'
Protein context (NP_000060.2, residues 1314-1334): LLLFRCATGE[Ala1324Asp]WQEILLACSY

ClinVar aggregate classification (germline): Uncertain significance. Review status: criteria provided, multiple submitters, no conflicts (2 of 4 stars). 2 submissions from 2 submitters: Uncertain significance (2). Last evaluated 2025-07-25.

Conditions:
Malignant hyperthermia, susceptibility to, 5 (MHS5). Also called: CACNA1S-Related Malignant Hyperthermia Susceptibility. Identifiers: Orphanet 423, MedGen C1866077, MONDO:0011163, OMIM 601887.

Submissions (2):

Color Diagnostics, LLC DBA Color Health
Classification: Uncertain significance for Malignant hyperthermia, susceptibility to, 5. Last evaluated: 2025-07-25. Review status: criteria provided, single submitter. Criteria: ACMG Guidelines, 2015. Collection method: clinical testing. Allele origin: germline.
Comment: This missense variant replaces alanine with aspartic acid at codon 1324 of the CACNA1S protein. Computational prediction is inconclusive regarding the impact of this variant on protein structure and function. To our knowledge, functional studies have not been reported for this variant. This variant has not been reported in individuals affected with CACNA1S-related disorders in the literature. This variant has not been identified in the general population by the Genome Aggregation Database (gnomAD). The available evidence is insufficient to determine the role of this variant in disease conclusively. Therefore, this variant is classified as a Variant of Uncertain Significance.

All of Us Research Program, National Institutes of Health
Classification: Uncertain significance for Malignant hyperthermia, susceptibility to, 5. Last evaluated: 2023-06-26. Review status: criteria provided, single submitter. Criteria: ACMG Guidelines, 2015. Collection method: clinical testing. Allele origin: germline. Inheritance: Autosomal dominant inheritance. Observed: 1 variant allele, 1 heterozygote.
Comment: This missense variant replaces alanine with aspartic acid at codon 1324 of the CACNA1S protein. Computational prediction is inconclusive regarding the impact of this variant on protein structure and function (internally defined REVEL score threshold 0.5 < inconclusive < 0.7, PMID: 27666373). To our knowledge, functional studies have not been reported for this variant. This variant has not been reported in individuals affected with CACNA1S-related disorders in the literature. This variant has not been identified in the general population by the Genome Aggregation Database (gnomAD). The available evidence is insufficient to determine the role of this variant in disease conclusively. Therefore, this variant is classified as a Variant of Uncertain Significance.

This study involves interpretation of variants in research participants for the purpose of population health screening. Participant phenotype was not available at the time of variant classification. Additional details can be found in publication PMID: 35346344, PMCID: PMC8962531